The following is an entry in ClinVar:

ClinVar aggregate classification (germline): Likely benign. Review status: criteria provided, multiple submitters, no conflicts (2 of 4 stars). 3 submissions from 3 submitters: Likely benign (3). Last evaluated 2025-12-03.

Allele frequency attached by ClinVar (database versions not stated): gnomAD exomes 0.00001 and 0.00003; ExAC 0.00004; ESP Exome Variant Server 0.00008; TOPMed 0.00012; gnomAD 0.00016 and 0.00017; 1000 Genomes Project 0.00020; 1000 Genomes Project 30x 0.00031.
gnomAD v4.1: 37 of 1,614,098 alleles (0.0023%); highest among the groups gnomAD compares: African/African-American, 0.041%; no homozygotes.

Submissions (3):

Labcorp Genetics (formerly Invitae), Labcorp
Classification: Likely benign. Last evaluated: 2025-12-03. Review status: criteria provided, single submitter. Criteria: Invitae Variant Classification Sherloc (09022015). Collection method: clinical testing. Allele origin: germline.

Blueprint Genetics
Classification: Likely benign. Last evaluated: 2021-11-08. Review status: criteria provided, single submitter. Criteria: ACMG Guidelines, 2015. Collection method: clinical testing. Allele origin: germline.

GeneDx
Classification: Likely benign. Last evaluated: 2017-09-08. Review status: criteria provided, single submitter. Criteria: GeneDx Variant Classification (06012015). Collection method: clinical testing. Allele origin: germline. Affected: yes.
Comment: This variant is considered likely benign or benign based on one or more of the following criteria: it is a conservative change, it occurs at a poorly conserved position in the protein, it is predicted to be benign by multiple in silico algorithms, and/or has population frequency not consistent with disease.

NM_001851.6(COL9A1):c.2259+7G>T

Gene: COL9A1 (collagen type IX alpha 1 chain; minus strand). Cytogenetic location: 6q13.
Variant type: single nucleotide variant.
Coding change: c.2259+7G>T on transcript NM_001851.6 (MANE Select); 7 bases into the intron after coding-DNA position 2259, G replaced by T.
Molecular consequence: intron variant.
Genome position (GRCh38, 1-based): chr6:70,234,787, C>A on the plus strand (G>T on the coding strand, the complement: COL9A1 is on the minus strand). VCF-style: chr6-70234787-C-A. GRCh37 (hg19) VCF-style: chr6-70944490-C-A.
Other names: c.1384-194G>T (NM_001377290.1); c.1530+7G>T (NM_078485.4); c.1560+7G>T (NM_001377289.1).
Identifiers: ClinVar variation 511975 (VCV000511975.11), dbSNP rs373480203, ClinGen allele CA3881821.
Genomic context (GRCh38, chr6:70,234,787, plus strand): 5'-TAGAACAGCCCTGCTGCTGTGGGATGGAGTCTCCAAAGGGAAACCACAGAAGCTGCCCAC[C>A]ACTCACCGGAGGGCCCTGGACACCAGGCAGGCCGGTGGCACCCTGTTCTCCCTGCACACC-3'